The following is an entry in ClinVar:

ClinVar aggregate classification (germline): Likely benign. Review status: criteria provided, multiple submitters, no conflicts (2 of 4 stars). 2 submissions from 2 submitters: Likely benign (2). Last evaluated 2025-11-05.

Conditions:
SLC12A2-related disorder. Also called: SLC12A2-related disorders; SLC12A2-related condition.

gnomAD v4.1: 341 of 1,276,070 alleles (0.027%); highest among the groups gnomAD compares: Non-Finnish European, 0.033%; no homozygotes.

Submissions (2):

PreventionGenetics, part of Exact Sciences
Classification: Likely benign for SLC12A2-related condition. Last evaluated: 2025-11-05. Review status: criteria provided, single submitter. Criteria: ACMG Guidelines, 2015. Collection method: clinical testing. Allele origin: germline.
Comment: This variant is classified as likely benign based on ACMG/AMP sequence variant interpretation guidelines (Richards et al. 2015 PMID: 25741868, with internal and published modifications).

Labcorp Genetics (formerly Invitae), Labcorp
Classification: Likely benign. Last evaluated: 2025-06-01. Review status: criteria provided, single submitter. Criteria: Invitae Variant Classification Sherloc (09022015). Collection method: clinical testing. Allele origin: germline.

NM_001046.3(SLC12A2):c.90C>T (p.Ala30=)

Genes: SLC12A2 (solute carrier family 12 member 2; plus strand), LOC129994526 (ATAC-STARR-seq lymphoblastoid silent region 16295; plus strand). Cytogenetic location: 5q23.3.
Variant type: single nucleotide variant.
Coding change: c.90C>T on transcript NM_001046.3 (MANE Select); coding-DNA position 90, C replaced by T.
Protein change: p.Ala30=; no amino-acid change (alanine 30 retained).
Molecular consequence: synonymous variant. On other transcripts: non-coding transcript variant (1).
Genome position (GRCh38, 1-based): chr5:128,084,044, C>T. VCF-style: chr5-128084044-C-T. GRCh37 (hg19) VCF-style: chr5-127419736-C-T.
Other names: c.90C>T, p.Ala30= (NM_001256461.2); c.90C>T (NM_001046.2).
Identifiers: ClinVar variation 4751853 (VCV004751853.2).